The following is an entry in ClinVar:

ClinVar aggregate classification (germline): Uncertain significance (1 of 4 stars; one submission).

Conditions:
Developmental and epileptic encephalopathy, 14 (DEE14). Also called: Early infantile epileptic encephalopathy 14. Identifiers: Orphanet 293181, MedGen C3554195, MONDO:0013989, OMIM 614959.
Autosomal dominant nocturnal frontal lobe epilepsy 5. Also called: KCNT1-Related Epilepsy; CILIARY DYSKINESIA, PRIMARY, 28, WITH SITUS INVERSUS; Epilepsy, nocturnal frontal lobe, 5; CILIARY DYSKINESIA, PRIMARY, 28, WITHOUT SITUS INVERSUS. Identifiers: Orphanet 98784, MedGen C3554306, MONDO:0014002, OMIM 615005.

Allele frequency attached by ClinVar (database versions not stated): gnomAD exomes below 0.00001.
gnomAD v4.1: 1 of 1,611,426 alleles (0.000062%); highest among the groups gnomAD compares: Non-Finnish European, 0.000085%; no homozygotes.

Submission:

Labcorp Genetics (formerly Invitae), Labcorp
Classification: Uncertain significance for Autosomal dominant nocturnal frontal lobe epilepsy 5; Developmental and epileptic encephalopathy, 14. Last evaluated: 2024-12-04. Review status: criteria provided, single submitter. Criteria: Invitae Variant Classification Sherloc (09022015). Collection method: clinical testing. Allele origin: germline.
Comment: This sequence change replaces methionine, which is neutral and non-polar, with valine, which is neutral and non-polar, at codon 552 of the KCNT1 protein (p.Met552Val). This variant is not present in population databases (gnomAD no frequency). This missense change has been observed in individual(s) with clinical features of KCNT1-related conditions (internal data). ClinVar contains an entry for this variant (Variation ID: 1427089). Invitae Evidence Modeling of protein sequence and biophysical properties (such as structural, functional, and spatial information, amino acid conservation, physicochemical variation, residue mobility, and thermodynamic stability) indicates that this missense variant is not expected to disrupt KCNT1 protein function with a negative predictive value of 80%. In summary, the available evidence is currently insufficient to determine the role of this variant in disease. Therefore, it has been classified as a Variant of Uncertain Significance.

NM_020822.3(KCNT1):c.1654A>G (p.Met552Val)

Gene: KCNT1 (potassium sodium-activated channel subfamily T member 1; plus strand). Cytogenetic location: 9q34.3.
Variant type: single nucleotide variant.
Coding change: c.1654A>G on transcript NM_020822.3 (MANE Select); coding-DNA position 1654, A replaced by G.
Protein change: p.Met552Val; replaces methionine 552 with valine.
Molecular consequence: missense variant.
Genome position (GRCh38, 1-based): chr9:135,770,332, A>G. VCF-style: chr9-135770332-A-G. GRCh37 (hg19) VCF-style: chr9-138662178-A-G.
Other names: c.1519A>G, p.Met507Val (NM_001272003.2); short protein forms M507V, M552V.
Identifiers: ClinVar variation 1427089 (VCV001427089.6), dbSNP rs2131507644, ClinGen allele CA375506281.
Genomic context (GRCh38, chr9:135,770,332, plus strand): 5'-TCCCCTGGCCCCGCCCTGGCCCACAGGGAGGGACAGGAGTCTCCGGAGCAGTGGCAGCGC[A>G]TGTATGGGCGCTGCTCCGGCAACGAGGTGTACCACATCCGCATGGGTGACAGCAAGTTCT-3'
Protein context (NP_065873.2, residues 542-562): GQESPEQWQR[Met552Val]YGRCSGNEVY